The following is an entry in ClinVar:

ClinVar aggregate classification (germline): Pathogenic (1 of 4 stars; one submission).

Submission:

Clinical Genomics Laboratory, Laboratory for Precision Diagnostics, University of Washington
Classification: Pathogenic. Last evaluated: 2022-08-02. Review status: criteria provided, single submitter. Criteria: ACMG/ClinGen CNV Guidelines, 2019. Collection method: clinical testing. Allele origin: unknown. Affected: yes. Observed: 1 variant allele.
Comment: The deletion contains the entirety of the region of 15q11.2 associated with the 15q11.2 BP1-BP2 microdeletion syndrome, a condition with incomplete penetrance and variable expressivity.

Literature cited by the submitters: PubMed 28387067; PubMed 21841781; PubMed 25689425; PubMed 31665216; PubMed 31451536; PubMed 23258348.

GRCh38/hg38 15q11.2(chr15:22646842-23119335)x1

Genes: CYFIP1 (cytoplasmic FMR1 interacting protein 1; minus strand), NIPA1 (NIPA magnesium transporter 1; plus strand), NIPA2 (NIPA magnesium transporter 2; plus strand), TUBGCP5 (tubulin gamma complex component 5; minus strand), LOC112272575 (Sharpr-MPRA regulatory region 8478; plus strand) and 15 more. Cytogenetic location: 15q11.2.
Variant type: copy number loss.
Change: copy number 1 (one copy instead of two) of chr15:22,646,842-23,119,335 (472.5 kb, GRCh38 coordinates, 1-based), cytogenetic band 15q11.2.
Identifiers: ClinVar variation 4852051 (VCV004852051.1).